The following is an entry in ClinVar:

ClinVar aggregate classification (germline): Uncertain significance (1 of 4 stars; one submission).

Submission:

CeGaT Center for Human Genetics Tuebingen
Classification: Uncertain significance. Last evaluated: 2025-12-01. Review status: criteria provided, single submitter. Criteria: CeGaT Center For Human Genetics Tuebingen Variant Classification Criteria Version 2. Collection method: clinical testing. Allele origin: germline. Affected: yes. Observed: 1 variant allele.
Comment: TTN: PM2, PP3

NM_001267550.2(TTN):c.79160C>T (p.Pro26387Leu)

Genes: TTN (titin; minus strand), TTN-AS1 (TTN antisense RNA 1; plus strand). Cytogenetic location: 2q31.2.
Variant type: single nucleotide variant.
Coding change: c.79160C>T on transcript NM_001267550.2 (MANE Select); coding-DNA position 79160, C replaced by T.
Protein change: p.Pro26387Leu; replaces proline 26387 with leucine.
Molecular consequence: missense variant.
Genome position (GRCh38, 1-based): chr2:178,566,972, G>A on the plus strand (C>T on the coding strand, the complement: TTN is on the minus strand). VCF-style: chr2-178566972-G-A. GRCh37 (hg19) VCF-style: chr2-179431699-G-A.
Other names: c.74237C>T, p.Pro24746Leu (NM_001256850.1); c.51965C>T, p.Pro17322Leu (NM_003319.4); c.71456C>T, p.Pro23819Leu (NM_133378.4); c.52340C>T, p.Pro17447Leu (NM_133432.3); c.52541C>T, p.Pro17514Leu (NM_133437.4); short protein forms P17322L, P17447L, P17514L, P23819L, P24746L, P26387L.
Identifiers: ClinVar variation 4681904 (VCV004681904.5).
Genomic context (GRCh38, chr2:178,566,972, plus strand): 5'-CAACAGACGGTCATGGAGTCTTTGGCAATATTTGTGACTTCCAAGCTTTTTGGTGGTCCA[G>A]GAAGCACAAATGGATTTTTCATTAGTACTGGTGCAGATTCCAAAGGCTCTCCAACACCAT-3'
Protein context (NP_001254479.2, residues 26377-26397): PVLMKNPFVL[Pro26387Leu]GPPKSLEVTN